The following is an entry in ClinVar:

ClinVar aggregate classification (germline): Uncertain significance (1 of 4 stars; one submission).

Conditions:
Ataxia-telangiectasia syndrome (AT). Also called: Ataxia telangiectasia (A-T); ATAXIA-TELANGIECTASIA, COMPLEMENTATION GROUP A; ATAXIA-TELANGIECTASIA, FRESNO VARIANT; Ataxia-telangiectasia; Ataxia-telangiectasia, complementation group E; LOUIS-BAR SYNDROME. Identifiers: Orphanet 100, MedGen C0004135, MONDO:0008840, OMIM 208900.

Submission:

Labcorp Genetics (formerly Invitae), Labcorp
Classification: Uncertain significance for Ataxia-telangiectasia syndrome. Last evaluated: 2020-08-01. Review status: criteria provided, single submitter. Criteria: Invitae Variant Classification Sherloc (09022015). Collection method: clinical testing. Allele origin: germline.
Comment: In summary, the available evidence is currently insufficient to determine the role of this variant in disease. Therefore, it has been classified as a Variant of Uncertain Significance. Advanced modeling of protein sequence and biophysical properties (such as structural, functional, and spatial information, amino acid conservation, physicochemical variation, residue mobility, and thermodynamic stability) performed at Invitae indicates that this missense variant is not expected to disrupt ATM protein function. This variant has not been reported in the literature in individuals with ATM-related conditions. This variant is not present in population databases (ExAC no frequency). This sequence change replaces serine with arginine at codon 2215 of the ATM protein (p.Ser2215Arg). The serine residue is moderately conserved and there is a moderate physicochemical difference between serine and arginine.

NM_000051.4(ATM):c.6643A>C (p.Ser2215Arg)

Genes: ATM (ATM serine/threonine kinase; plus strand), C11orf65 (chromosome 11 open reading frame 65; minus strand). Cytogenetic location: 11q22.3.
Variant type: single nucleotide variant.
Coding change: c.6643A>C on transcript NM_000051.4 (MANE Select); coding-DNA position 6643, A replaced by C.
Protein change: p.Ser2215Arg; replaces serine 2215 with arginine.
Molecular consequence: missense variant. On other transcripts: intron variant (2).
Genome position (GRCh38, 1-based): chr11:108,325,380, A>C. VCF-style: chr11-108325380-A-C. GRCh37 (hg19) VCF-style: chr11-108196107-A-C.
Other names: c.6643A>C, p.Ser2215Arg (NM_001351834.2); c.641-16309T>G (NM_001330368.2); c.*38+9840T>G (NM_001351110.2); short protein forms S2215R.
Identifiers: ClinVar variation 1045106 (VCV001045106.9), dbSNP rs730881312, ClinGen allele CA382554801.